The following is an entry in ClinVar:

ClinVar aggregate classification (germline): Uncertain significance (1 of 4 stars; one submission).

Conditions:
POLD1-related polyposis and colorectal cancer syndrome (CRCS10). Also called: Colorectal cancer 10; COLORECTAL CANCER, SUSCEPTIBILITY TO, ON CHROMOSOME 19q; Colorectal cancer, susceptibility to, 10. Identifiers: Orphanet 220460, MedGen C2675481, MONDO:0012953, OMIM 612591.

Submission:

Labcorp Genetics (formerly Invitae), Labcorp
Classification: Uncertain significance for POLD1-related polyposis and colorectal cancer syndrome. Last evaluated: 2018-05-11. Review status: criteria provided, single submitter. Criteria: Invitae Variant Classification Sherloc (09022015). Collection method: clinical testing. Allele origin: germline.
Comment: This variant has not been reported in the literature in individuals with POLD1-related disease. This variant is not present in population databases (ExAC no frequency). This sequence change replaces glutamic acid with glycine at codon 886 of the POLD1 protein (p.Glu886Gly). The glutamic acid residue is moderately conserved and there is a moderate physicochemical difference between glutamic acid and glycine. Algorithms developed to predict the effect of missense changes on protein structure and function do not agree on the potential impact of this missense change (SIFT: "Deleterious"; PolyPhen-2: "Probably Damaging"; Align-GVGD: "Class C0"). In summary, the available evidence is currently insufficient to determine the role of this variant in disease. Therefore, it has been classified as a Variant of Uncertain Significance.

NM_002691.4(POLD1):c.2657A>G (p.Glu886Gly)

Gene: POLD1 (DNA polymerase delta 1, catalytic subunit; plus strand). Cytogenetic location: 19q13.33.
Variant type: single nucleotide variant.
Coding change: c.2657A>G on transcript NM_002691.4 (MANE Select); coding-DNA position 2657, A replaced by G.
Protein change: p.Glu886Gly; replaces glutamic acid 886 with glycine.
Molecular consequence: missense variant. On other transcripts: non-coding transcript variant (1).
Genome position (GRCh38, 1-based): chr19:50,415,530, A>G. VCF-style: chr19-50415530-A-G. GRCh37 (hg19) VCF-style: chr19-50918787-A-G.
Other names: c.2657A>G, p.Glu886Gly (NM_001256849.1); c.2735A>G, p.Glu912Gly (NM_001308632.1); short protein forms E886G, E912G.
Identifiers: ClinVar variation 571989 (VCV000571989.8), dbSNP rs1568637937, ClinGen allele CA406985567.
Genomic context (GRCh38, chr19:50,415,530, plus strand): 5'-ACGTCATCTCGGACCTGCTGTGCAACCGCATCGATATCTCCCAGCTGGTCATCACCAAGG[A>G]GCTGACCCGCGCGGCCTCCGACTATGCCGGCAAGCAGGCCCACGTGGAGCTGGCCGAGAG-3'
Protein context (NP_002682.2, residues 876-896): IDISQLVITK[Glu886Gly]LTRAASDYAG